The following is an entry in ClinVar:

ClinVar aggregate classification (germline): Uncertain significance (1 of 4 stars; one submission).

Conditions:
Neurofibromatosis, type 2 (SWNV). Also called: NF2-Related Schwannomatosis; BILATERAL ACOUSTIC NEUROFIBROMATOSIS; SCHWANNOMATOSIS, VESTIBULAR. Identifiers: Orphanet 637, MedGen C0027832, MONDO:0007039, OMIM 101000. Disease mechanism: loss of function.

Submission:

Labcorp Genetics (formerly Invitae), Labcorp
Classification: Uncertain significance for Neurofibromatosis, type 2. Last evaluated: 2022-07-19. Review status: criteria provided, single submitter. Criteria: Invitae Variant Classification Sherloc (09022015). Collection method: clinical testing. Allele origin: germline.
Comment: Experimental studies and prediction algorithms are not available or were not evaluated, and the functional significance of this variant is currently unknown. This variant has not been reported in the literature in individuals affected with NF2-related conditions. This variant is not present in population databases (gnomAD no frequency). This variant, c.1756_1770del, results in the deletion of 5 amino acid(s) of the NF2 protein (p.Lys586_Ala590del), but otherwise preserves the integrity of the reading frame. In summary, the available evidence is currently insufficient to determine the role of this variant in disease. Therefore, it has been classified as a Variant of Uncertain Significance.

NM_000268.4(NF2):c.1756_1770del (p.Lys586_Ala590del)

Gene: NF2 (NF2, moesin-ezrin-radixin like (MERLIN) tumor suppressor; plus strand). Cytogenetic location: 22q12.2.
Variant type: Deletion.
Coding change: c.1756_1770del on transcript NM_000268.4 (MANE Select); coding-DNA positions 1756 to 1770, 15 bases deleted (AAGTCCCGAGTGGCC).
Protein change: p.Lys586_Ala590del.
Molecular consequence: inframe deletion. On other transcripts: inframe indel (7), 3 prime UTR variant (5), non-coding transcript variant (1).
Genome position (GRCh38, 1-based): chr22:29,694,770-29,694,784, AAGTCCCGAGTGGCC deleted; deleting any 15 consecutive bases within chr22:29,694,767-29,694,784 gives the same sequence; the c. name uses the placement nearest the transcript's 3' end. VCF-style (leftmost placement, unchanged base first): chr22-29694766-CGCCAAGTCCCGAGTG-C. GRCh37 (hg19) VCF-style: chr22-30090755-CGCCAAGTCCCGAGTG-C.
Other names: c.1642_1656delAAGTCCCGAGTGGCC, p.Lys548_Ala552del (NM_001407053.1); c.1633_1647delAAGTCCCGAGTGGCC, p.Lys545_Ala549del (NM_001407054.1); c.1630_1644delAAGTCCCGAGTGGCC, p.Lys544_Ala548del (NM_001407055.1); c.*28_*42delAAGTCCCGAGTGGCC (NM_001407056.1, NM_001407059.1, NM_001407065.1 and 1 more transcripts); c.1621_1635delAAGTCCCGAGTGGCC, p.Lys541_Ala545del (NM_001407057.1); c.*43_*57delAAGTCCCGAGTGGCC (NM_001407058.1, NM_001407063.1); c.1593_1607delAAGTCCCGAGTGGCC, p.Pro533_Ser537del (NM_001407060.1); c.1498_1512delAAGTCCCGAGTGGCC, p.Lys500_Ala504del (NM_001407062.1); and 4 more.
Identifiers: ClinVar variation 2044508 (VCV002044508.4), dbSNP rs2518807950, ClinGen allele CA2580099443.